The following is an entry in ClinVar:

ClinVar aggregate classification (germline): Benign. Review status: criteria provided, multiple submitters, no conflicts (2 of 4 stars). 3 submissions from 3 submitters: Benign (2). 1 of the submissions does not count toward it. Last evaluated 2019-12-31.

Conditions:
MAP1B-related disorder. Also called: MAP1B-related condition.

Allele frequency attached by ClinVar (database versions not stated): gnomAD exomes 0.00023; ExAC 0.00032; gnomAD 0.00061 and 0.00062; TOPMed 0.00065; ESP Exome Variant Server 0.00100; 1000 Genomes Project 0.00120; 1000 Genomes Project 30x 0.00156.

Submissions (3):

Labcorp Genetics (formerly Invitae), Labcorp
Classification: Benign. Last evaluated: 2019-12-31. Review status: criteria provided, single submitter. Criteria: Invitae Variant Classification Sherloc (09022015). Collection method: clinical testing. Allele origin: germline.

Breakthrough Genomics
Classification: Benign. Review status: criteria provided, single submitter. Criteria: ACMG Guidelines, 2015. Collection method: not provided. Allele origin: germline. Inheritance: Autosomal dominant inheritance. Affected: yes.

PreventionGenetics, part of Exact Sciences
Classification: Likely benign for MAP1B-related condition. Last evaluated: 2020-09-14. Review status: no assertion criteria provided. Collection method: clinical testing. Allele origin: germline. Not counted in ClinVar's aggregate classification.
Comment: This variant is classified as likely benign based on ACMG/AMP sequence variant interpretation guidelines (Richards et al. 2015 PMID: 25741868, with internal and published modifications).

NM_005909.5(MAP1B):c.2883C>T (p.His961=)

Gene: MAP1B (microtubule associated protein 1B; plus strand). Cytogenetic location: 5q13.2.
Variant type: single nucleotide variant.
Coding change: c.2883C>T on transcript NM_005909.5 (MANE Select); coding-DNA position 2883, C replaced by T.
Protein change: p.His961=; no amino-acid change (histidine 961 retained).
Molecular consequence: synonymous variant.
Genome position (GRCh38, 1-based): chr5:72,196,238, C>T. VCF-style: chr5-72196238-C-T. GRCh37 (hg19) VCF-style: chr5-71492065-C-T.
Other names: c.2505C>T, p.His835= (NM_001324255.2).
Identifiers: ClinVar variation 723238 (VCV000723238.7), dbSNP rs140356321, ClinGen allele CA3298900.